The following is an entry in ClinVar:

ClinVar aggregate classification (germline): Uncertain significance. Review status: criteria provided, multiple submitters, no conflicts (2 of 4 stars). 2 submissions from 2 submitters: Uncertain significance (2). Last evaluated 2026-06-30.

Conditions:
Hereditary nonpolyposis colorectal neoplasms. Identifiers: MedGen C0009405, MeSH D003123.
Hereditary cancer-predisposing syndrome. Also called: Neoplastic Syndromes, Hereditary; Hereditary neoplastic syndrome; Hereditary Cancer Syndrome; Tumor predisposition. Identifiers: Orphanet 140162, MedGen C0027672, MeSH D009386, MONDO:0015356.

Submissions (2):

Ambry Genetics
Classification: Uncertain significance for Hereditary cancer-predisposing syndrome. Last evaluated: 2026-06-30. Review status: criteria provided, single submitter. Criteria: Ambry Variant Classification Scheme 2023. Collection method: clinical testing. Allele origin: germline.
Comment: The p.W372S variant (also known as c.1115G>C), located in coding exon 4 of the MSH6 gene, results from a G to C substitution at nucleotide position 1115. The tryptophan at codon 372 is replaced by serine, an amino acid with highly dissimilar properties. This amino acid position is highly conserved in available vertebrate species. In addition, this alteration is predicted to be deleterious by in silico analysis. Based on the available evidence, the clinical significance of this variant remains unclear.

Labcorp Genetics (formerly Invitae), Labcorp
Classification: Uncertain significance for Hereditary nonpolyposis colorectal neoplasms. Last evaluated: 2022-09-29. Review status: criteria provided, single submitter. Criteria: Invitae Variant Classification Sherloc (09022015). Collection method: clinical testing. Allele origin: germline.
Comment: Advanced modeling of protein sequence and biophysical properties (such as structural, functional, and spatial information, amino acid conservation, physicochemical variation, residue mobility, and thermodynamic stability) performed at Invitae indicates that this missense variant is expected to disrupt MSH6 protein function. This sequence change replaces tryptophan, which is neutral and slightly polar, with serine, which is neutral and polar, at codon 372 of the MSH6 protein (p.Trp372Ser). This variant is not present in population databases (gnomAD no frequency). This variant has not been reported in the literature in individuals affected with MSH6-related conditions. ClinVar contains an entry for this variant (Variation ID: 455115). In summary, the available evidence is currently insufficient to determine the role of this variant in disease. Therefore, it has been classified as a Variant of Uncertain Significance.

NM_000179.3(MSH6):c.1115G>C (p.Trp372Ser)

Gene: MSH6 (mutS homolog 6; plus strand). Cytogenetic location: 2p16.3.
Variant type: single nucleotide variant.
Coding change: c.1115G>C on transcript NM_000179.3 (MANE Select); coding-DNA position 1115, G replaced by C.
Protein change: p.Trp372Ser; replaces tryptophan 372 with serine.
Molecular consequence: missense variant.
Genome position (GRCh38, 1-based): chr2:47,799,098, G>C. VCF-style: chr2-47799098-G-C. GRCh37 (hg19) VCF-style: chr2-48026237-G-C.
Other names: c.725G>C, p.Trp242Ser (NM_001281492.2); c.209G>C, p.Trp70Ser (NM_001281493.2, NM_001281494.2); short protein forms W372S, W242S, W70S.
Identifiers: ClinVar variation 455115 (VCV000455115.10), dbSNP rs1114167731, ClinGen allele CA346741990.